The following is an entry in ClinVar:

NM_017780.4(CHD7):c.2527A>G (p.Ile843Val)

Gene: CHD7 (chromodomain helicase DNA binding protein 7; plus strand). Cytogenetic location: 8q12.2.
Variant type: single nucleotide variant.
Coding change: c.2527A>G on transcript NM_017780.4 (MANE Select); coding-DNA position 2527, A replaced by G.
Protein change: p.Ile843Val; replaces isoleucine 843 with valine.
Molecular consequence: missense variant. On other transcripts: intron variant (1).
Genome position (GRCh38, 1-based): chr8:60,816,415, A>G. VCF-style: chr8-60816415-A-G. GRCh37 (hg19) VCF-style: chr8-61728974-A-G.
Other names: c.1716+35365A>G (NM_001316690.1); short protein forms I843V.
Identifiers: ClinVar variation 1019995 (VCV001019995.11), dbSNP rs772358323, ClinGen allele CA4759751.
Genomic context (GRCh38, chr8:60,816,415, plus strand): 5'-CATATTTCAAGGATATTGTTTTGTTCTTTCAGCTCTTATCTTCATTGTCAGTGGGCATCT[A>G]TAGAAGATCTGGAAAAAGATAAGAGAATTCAGCAAAAAATTAAACGATTTAAGGCAAAGC-3'
Protein context (NP_060250.2, residues 833-853): FSYLHCQWAS[Ile843Val]EDLEKDKRIQ

ClinVar aggregate classification (germline): Likely benign (1 of 4 stars; one submission).

Conditions:
Hypogonadotropic hypogonadism 5 with or without anosmia (KAL5). Also called: HYPOGONADOTROPIC HYPOGONADISM 5 WITH ANOSMIA; HYPOGONADOTROPHIC HYPOGONADISM 5 WITHOUT ANOSMIA; CHD7-Related GnRH Deficiency (Kallmann Syndrome 5). Identifiers: Orphanet 478, MedGen C3552553, MONDO:0012880, OMIM 612370. Disease mechanism: loss of function.
CHARGE syndrome (CHARGE). Also called: Hittner Hirsch Kreh syndrome; Coloboma, heart anomaly, choanal atresia, retardation, genital and ear anomalies; CHARGE association; Hall-Hittner syndrome; CHARGE ASSOCIATION--COLOBOMA, HEART ANOMALY, CHOANAL ATRESIA, RETARDATION, GENITAL AND EAR ANOMALIES. Identifiers: Orphanet 138, MedGen C0265354, MONDO:0008965.

Allele frequency attached by ClinVar (database versions not stated): gnomAD 0.00001; gnomAD exomes 0.00001; TOPMed 0.00001; ExAC 0.00002.
gnomAD v4.1: 12 of 1,604,766 alleles (0.00075%); highest among the groups gnomAD compares: Non-Finnish European, 0.001%; no homozygotes.

Submission:

Labcorp Genetics (formerly Invitae), Labcorp
Classification: Likely benign for CHARGE syndrome. Last evaluated: 2022-11-22. Review status: criteria provided, single submitter. Criteria: Invitae Variant Classification Sherloc (09022015). Collection method: clinical testing. Allele origin: germline.